The following is an entry in ClinVar:

NM_000342.4(SLC4A1):c.107-420G>A

Gene: SLC4A1 (solute carrier family 4 member 1 (Diego blood group); minus strand). Cytogenetic location: 17q21.31.
Variant type: single nucleotide variant.
Coding change: c.107-420G>A on transcript NM_000342.4 (MANE Select); 420 bases into the intron before coding-DNA position 107, G replaced by A.
Molecular consequence: intron variant.
Genome position (GRCh38, 1-based): chr17:44,262,056, C>T on the plus strand (G>A on the coding strand, the complement: SLC4A1 is on the minus strand). VCF-style: chr17-44262056-C-T. GRCh37 (hg19) VCF-style: chr17-42339424-C-T.
Identifiers: ClinVar variation 1286790 (VCV001286790.2), dbSNP rs999716, ClinGen allele CA14379322.

ClinVar aggregate classification (germline): Benign. Review status: criteria provided, multiple submitters, no conflicts (2 of 4 stars). 2 submissions from 2 submitters: Benign (2). Last evaluated 2021-02-25.

Allele frequency attached by ClinVar (database versions not stated): 1000 Genomes Project 30x 0.33495; 1000 Genomes Project 0.34165; TOPMed 0.35400; gnomAD 0.36813 and 0.37458.
gnomAD v4.1: 546,996 of 1,135,160 alleles (48%); highest among the groups gnomAD compares: South Asian, 54%; 137,914 homozygotes.

Submissions (2):

GeneDx
Classification: Benign. Last evaluated: 2021-02-25. Review status: criteria provided, single submitter. Criteria: GeneDx Variant Classification Process June 2021. Collection method: clinical testing. Allele origin: germline. Affected: yes.
Comment: This variant is associated with the following publications: (PMID: 27767102)

Breakthrough Genomics
Classification: Benign. Review status: criteria provided, single submitter. Criteria: ACMG Guidelines, 2015. Collection method: not provided. Allele origin: germline. Inheritance: Autosomal recessive inheritance. Affected: yes.